The following is an entry in ClinVar:

NM_001127208.3(TET2):c.3655C>T (p.His1219Tyr)

Genes: TET2 (tet methylcytosine dioxygenase 2; plus strand), TET2-AS1 (TET2 antisense RNA 1; minus strand). Cytogenetic location: 4q24.
Variant type: single nucleotide variant.
Coding change: c.3655C>T on transcript NM_001127208.3 (MANE Select); coding-DNA position 3655, C replaced by T.
Protein change: p.His1219Tyr; replaces histidine 1219 with tyrosine.
Molecular consequence: missense variant.
Genome position (GRCh38, 1-based): chr4:105,243,630, C>T. VCF-style: chr4-105243630-C-T. GRCh37 (hg19) VCF-style: chr4-106164787-C-T.
Other names: short protein forms H1219Y.
Identifiers: ClinVar variation 3620586 (VCV003620586.2).

ClinVar aggregate classification (germline): Uncertain significance (1 of 4 stars; one submission).

Submission:

Labcorp Genetics (formerly Invitae), Labcorp
Classification: Uncertain significance. Last evaluated: 2025-12-30. Review status: criteria provided, single submitter. Criteria: Invitae Variant Classification Sherloc (09022015). Collection method: clinical testing. Allele origin: germline.
Comment: This sequence change replaces histidine, which is basic and polar, with tyrosine, which is neutral and polar, at codon 1219 of the TET2 protein (p.His1219Tyr). This variant is not present in population databases (gnomAD no frequency). This variant has not been reported in the literature in individuals affected with TET2-related conditions. ClinVar contains an entry for this variant (Variation ID: 3620586). An algorithm developed to predict the effect of missense changes on protein structure and function (PolyPhen-2) suggests that this variant is likely to be disruptive. In summary, the available evidence is currently insufficient to determine the role of this variant in disease. Therefore, it has been classified as a Variant of Uncertain Significance.